The following is an entry in ClinVar:

NM_015450.3(POT1):c.546+4C>G

Gene: POT1 (protection of telomeres 1; minus strand). Cytogenetic location: 7q31.33.
Variant type: single nucleotide variant.
Coding change: c.546+4C>G on transcript NM_015450.3 (MANE Select); 4 bases into the intron after coding-DNA position 546, C replaced by G.
Molecular consequence: intron variant.
Genome position (GRCh38, 1-based): chr7:124,863,346, G>C on the plus strand (C>G on the coding strand, the complement: POT1 is on the minus strand). VCF-style: chr7-124863346-G-C. GRCh37 (hg19) VCF-style: chr7-124503400-G-C.
Other names: c.153+4C>G (NM_001042594.2); c.546+4C>G (NM_015450.2).
Identifiers: ClinVar variation 1001868 (VCV001001868.8), dbSNP rs1795644961, ClinGen allele CA1740730137.

ClinVar aggregate classification (germline): Conflicting classifications of pathogenicity. Review status: criteria provided, conflicting classifications (1 of 4 stars). 2 submissions from 2 submitters: Uncertain significance (1); Likely benign (1). Last evaluated 2025-10-23.

Conditions:
Tumor predisposition syndrome 3 (TPDS3). Also called: Glioma susceptibility 9; LONG TELOMERE SYNDROME, POT1-RELATED; POT1 Tumor Predisposition; Melanoma, cutaneous malignant, susceptibility to, 10. Identifiers: Orphanet 618, MedGen C4014476, MONDO:0014368, OMIM 615848.
Hereditary cancer-predisposing syndrome. Also called: Neoplastic Syndromes, Hereditary; Hereditary Cancer Syndrome; Hereditary neoplastic syndrome; Tumor predisposition. Identifiers: Orphanet 140162, MedGen C0027672, MeSH D009386, MONDO:0015356.

Submissions (2):

Labcorp Genetics (formerly Invitae), Labcorp
Classification: Likely benign for Tumor predisposition syndrome 3. Last evaluated: 2025-10-23. Review status: criteria provided, single submitter. Criteria: Invitae Variant Classification Sherloc (09022015). Collection method: clinical testing. Allele origin: germline.

Ambry Genetics
Classification: Uncertain significance for Hereditary cancer-predisposing syndrome. Last evaluated: 2025-08-14. Review status: criteria provided, single submitter. Criteria: Ambry Variant Classification Scheme 2023. Collection method: clinical testing. Allele origin: germline.
Comment: The c.546+4C>G intronic variant results from a C to G substitution 4 nucleotides after coding exon 4 in the POT1 gene. This nucleotide position is poorly conserved in available vertebrate species. In silico splice site analysis for this alteration is inconclusive. Based on the available evidence, the clinical significance of this variant remains unclear.